The following is an entry in ClinVar:

NM_004606.5(TAF1):c.1803G>T (p.Gln601His)

Gene: TAF1 (TATA-box binding protein associated factor 1; plus strand). Cytogenetic location: Xq13.1.
Variant type: single nucleotide variant.
Coding change: c.1803G>T on transcript NM_004606.5 (MANE Select); coding-DNA position 1803, G replaced by T.
Protein change: p.Gln601His; replaces glutamine 601 with histidine.
Molecular consequence: missense variant. On other transcripts: non-coding transcript variant (9).
Genome position (GRCh38, 1-based): chrX:71,383,020, G>T. VCF-style: chrX-71383020-G-T. GRCh37 (hg19) VCF-style: chrX-70602870-G-T.
Other names: c.1863G>T (NM_001286074.1); c.1803G>T, p.Gln601His (NM_001286074.2); c.1740G>T, p.Gln580His (NM_138923.4); short protein forms Q580H, Q601H.
Identifiers: ClinVar variation 450128 (VCV000450128.3), dbSNP rs1397811196, ClinGen allele CA413514476.

ClinVar aggregate classification (germline): Uncertain significance. Review status: criteria provided, multiple submitters, no conflicts (2 of 4 stars). 2 submissions from 2 submitters: Uncertain significance (2). Last evaluated 2024-11-18.

Conditions:
TAF1-related disorder. Also called: TAF1-related condition.

Allele frequency attached by ClinVar (database versions not stated): gnomAD exomes 0.00001 and 0.00002; TOPMed 0.00002.
gnomAD v4.1: 4 of 1,209,330 alleles (0.00033%); highest among the groups gnomAD compares: Admixed American, 0.0088%; no homozygotes.

Submissions (2):

PreventionGenetics, part of Exact Sciences
Classification: Uncertain significance for TAF1-related condition. Last evaluated: 2024-11-18. Review status: criteria provided, single submitter. Criteria: ACMG Guidelines, 2015. Collection method: clinical testing. Allele origin: germline.
Comment: The TAF1 c.1863G>T variant is predicted to result in the amino acid substitution p.Gln621His. To our knowledge, this variant has not been reported in the literature. This variant is reported in 0.011% of alleles in individuals of Latino descent in gnomAD. At this time, the clinical significance of this variant is uncertain due to the absence of conclusive functional and genetic evidence.

GeneDx
Classification: Uncertain significance. Last evaluated: 2017-06-29. Review status: criteria provided, single submitter. Criteria: GeneDx Variant Classification (06012015). Collection method: clinical testing. Allele origin: germline. Affected: yes.
Comment: A variant of uncertain significance has been identified in the TAF1 gene. The Q621H variant has not been published as a pathogenic variant, nor has it been reported as a benign variant to our knowledge. The Q621H variant is not observed in large population cohorts (Lek et al., 2016; 1000 Genomes Consortium et al., 2015; Exome Variant Server). The Q621H variant is a semi-conservative amino acid substitution, which may impact secondary protein structure as these residues differ in some properties. Additionally, this substitution occurs at a position that is conserved across species. In silico analysis is inconsistent in its predictions as to whether or not the variant is damaging to the protein structure/function. Based on the currently available information, it is unclear whether this variant is a pathogenic variant or a rare benign variant.